The following is an entry in ClinVar:

ClinVar aggregate classification (germline): Uncertain significance. Review status: criteria provided, multiple submitters, no conflicts (2 of 4 stars). 2 submissions from 2 submitters: Uncertain significance (2). Last evaluated 2025-01-20.

Conditions:
Inborn genetic diseases. Identifiers: MedGen C0950123, MeSH D030342.
Progressive myoclonic epilepsy type 7. Identifiers: Orphanet 435438, MedGen C4015420, MONDO:0014521, OMIM 616187.

gnomAD v4.1: 5 of 1,614,126 alleles (0.00031%); highest among the groups gnomAD compares: Non-Finnish European, 0.00042%; no homozygotes.

Submissions (2):

Labcorp Genetics (formerly Invitae), Labcorp
Classification: Uncertain significance for Progressive myoclonic epilepsy type 7. Last evaluated: 2025-01-20. Review status: criteria provided, single submitter. Criteria: Invitae Variant Classification Sherloc (09022015). Collection method: clinical testing. Allele origin: germline.
Comment: This sequence change replaces glutamic acid, which is acidic and polar, with lysine, which is basic and polar, at codon 225 of the KCNC1 protein (p.Glu225Lys). This variant is present in population databases (rs762606123, gnomAD 0.0009%). This variant has not been reported in the literature in individuals affected with KCNC1-related conditions. Invitae Evidence Modeling of protein sequence and biophysical properties (such as structural, functional, and spatial information, amino acid conservation, physicochemical variation, residue mobility, and thermodynamic stability) indicates that this missense variant is not expected to disrupt KCNC1 protein function with a negative predictive value of 95%. In summary, the available evidence is currently insufficient to determine the role of this variant in disease. Therefore, it has been classified as a Variant of Uncertain Significance.

Ambry Genetics
Classification: Uncertain significance for Inborn genetic diseases. Last evaluated: 2024-09-30. Review status: criteria provided, single submitter. Criteria: Ambry Variant Classification Scheme 2023. Collection method: clinical testing. Allele origin: germline.

NM_001112741.2(KCNC1):c.673G>A (p.Glu225Lys)

Gene: KCNC1 (potassium voltage-gated channel subfamily C member 1; plus strand). Cytogenetic location: 11p15.1.
Variant type: single nucleotide variant.
Coding change: c.673G>A on transcript NM_001112741.2 (MANE Select); coding-DNA position 673, G replaced by A.
Protein change: p.Glu225Lys; replaces glutamic acid 225 with lysine.
Molecular consequence: missense variant.
Genome position (GRCh38, 1-based): chr11:17,771,767, G>A. VCF-style: chr11-17771767-G-A. GRCh37 (hg19) VCF-style: chr11-17793314-G-A.
Other names: c.673G>A, p.Glu225Lys (NM_004976.4); short protein forms E225K.
Identifiers: ClinVar variation 3532155 (VCV003532155.3).